The following is an entry in ClinVar:

ClinVar aggregate classification (germline): Uncertain significance (1 of 4 stars; one submission).

Conditions:
Reticular dysgenesis. Also called: ALEUKOCYTOSIS; CONGENITAL ALEUKIA; HEMATOPOIETIC HYPOPLASIA, GENERALIZED; RETICULAR DYSGENESIA; SEVERE COMBINED IMMUNODEFICIENCY WITH LEUKOPENIA; DeVaal disease. Identifiers: Orphanet 33355, MedGen C0272167, MONDO:0009973, OMIM 267500.

Submission:

Labcorp Genetics (formerly Invitae), Labcorp
Classification: Uncertain significance for Reticular dysgenesis. Last evaluated: 2024-08-14. Review status: criteria provided, single submitter. Criteria: Invitae Variant Classification Sherloc (09022015). Collection method: clinical testing. Allele origin: germline.
Comment: This sequence change falls in intron 4 of the AK2 gene. It does not directly change the encoded amino acid sequence of the AK2 protein. Information on the frequency of this variant in the gnomAD database is not available, as this variant may be reported differently in the database. This variant has not been reported in the literature in individuals affected with AK2-related conditions. Experimental studies and prediction algorithms are not available or were not evaluated, and the effect of this variant on mRNA splicing is currently unknown. In summary, the available evidence is currently insufficient to determine the role of this variant in disease. Therefore, it has been classified as a Variant of Uncertain Significance.

NM_001625.4(AK2):c.426-17_426-16delinsAC

Gene: AK2 (adenylate kinase 2; minus strand). Cytogenetic location: 1p35.1.
Variant type: Indel.
Coding change: c.426-17_426-16delinsAC on transcript NM_001625.4 (MANE Select); 17 bases into the intron before coding-DNA position 426 through 16 bases into the intron before coding-DNA position 426, CA replaced by AC.
Molecular consequence: intron variant.
Genome position (GRCh38, 1-based): chr1:33,014,610-33,014,611, TG replaced by GT on the plus strand (CA replaced by AC on the coding strand, the reverse complement: AK2 is on the minus strand). VCF-style: chr1-33014610-TG-GT. GRCh37 (hg19) VCF-style: chr1-33480211-TG-GT.
Other names: c.426-17_426-16delinsAC (NM_013411.5, NM_001319141.3); c.300-17_300-16delinsAC (NM_001319142.3); c.331-17_331-16delinsAC (NM_001319143.2); c.402-17_402-16delinsAC (NM_001199199.3); c.282-17_282-16delinsAC (NM_001319139.3, NM_001319140.2).
Identifiers: ClinVar variation 3662374 (VCV003662374.2).